The following is an entry in ClinVar:

NM_001184.4(ATR):c.6049G>A (p.Glu2017Lys)

Gene: ATR (ATR checkpoint kinase; minus strand). Cytogenetic location: 3q23.
Variant type: single nucleotide variant.
Coding change: c.6049G>A on transcript NM_001184.4 (MANE Select); coding-DNA position 6049, G replaced by A.
Protein change: p.Glu2017Lys; replaces glutamic acid 2017 with lysine.
Molecular consequence: missense variant.
Genome position (GRCh38, 1-based): chr3:142,493,161, C>T on the plus strand (G>A on the coding strand, the complement: ATR is on the minus strand). VCF-style: chr3-142493161-C-T. GRCh37 (hg19) VCF-style: chr3-142212003-C-T.
Other names: c.5857G>A, p.Glu1953Lys (NM_001354579.2); short protein forms E1953K, E2017K.
Identifiers: ClinVar variation 2064989 (VCV002064989.4), dbSNP rs2473142715, ClinGen allele CA354811236.
Genomic context (GRCh38, chr3:142,493,161, plus strand): 5'-TTAACTGAAACTGCATTATACATATACTTGCCTTATATTTTTTCATAATTGCATTGCTTT[C>T]AAAGTTAGCTGTTTCTTCCATAAATCGGCCCACTAGTAGCATAGCTCGACCATGGATTAA-3'
Protein context (NP_001175.2, residues 2007-2027): GRFMEETANF[Glu2017Lys]SNAIMKKYKD

ClinVar aggregate classification (germline): Uncertain significance (1 of 4 stars; one submission).

Allele frequency attached by ClinVar (database versions not stated): gnomAD exomes below 0.00001.
gnomAD v4.1: 5 of 1,613,392 alleles (0.00031%); highest among the groups gnomAD compares: Non-Finnish European, 0.00042%; no homozygotes.

Submission:

Labcorp Genetics (formerly Invitae), Labcorp
Classification: Uncertain significance. Last evaluated: 2023-11-27. Review status: criteria provided, single submitter. Criteria: Invitae Variant Classification Sherloc (09022015). Collection method: clinical testing. Allele origin: germline.
Comment: This sequence change replaces glutamic acid, which is acidic and polar, with lysine, which is basic and polar, at codon 2017 of the ATR protein (p.Glu2017Lys). This variant is not present in population databases (gnomAD no frequency). This variant has not been reported in the literature in individuals affected with ATR-related conditions. ClinVar contains an entry for this variant (Variation ID: 2064989). An algorithm developed to predict the effect of missense changes on protein structure and function (PolyPhen-2) suggests that this variant is likely to be disruptive. In summary, the available evidence is currently insufficient to determine the role of this variant in disease. Therefore, it has been classified as a Variant of Uncertain Significance.